The following is an entry in ClinVar:

NM_005202.4(COL8A2):c.194-7_194-4del

Gene: COL8A2 (collagen type VIII alpha 2 chain; minus strand). Cytogenetic location: 1p34.3.
Variant type: Microsatellite.
Coding change: c.194-7_194-4del on transcript NM_005202.4 (MANE Select); 7 bases into the intron before coding-DNA position 194 through 4 bases into the intron before coding-DNA position 194, 4 bases deleted (TTCT; older notation c.194-7_194-4delTTCT).
Molecular consequence: intron variant.
Genome position (GRCh38, 1-based): chr1:36,099,491-36,099,494, AGAA deleted on the plus strand (TTCT on the coding strand, the reverse complement: COL8A2 is on the minus strand); deleting any 4 consecutive bases within chr1:36,099,491-36,099,501 gives the same sequence; the c. name uses the placement nearest the transcript's 3' end. VCF-style (leftmost placement, unchanged base first): chr1-36099490-GAGAA-G. GRCh37 (hg19) VCF-style: chr1-36565091-GAGAA-G.
Other names: c.-2-7_-2-4del (NM_001294347.2); c.194-7_194-4delTTCT (NM_005202.3).
Identifiers: ClinVar variation 1601585 (VCV001601585.10), dbSNP rs562336059, ClinGen allele CA765143.

ClinVar aggregate classification (germline): Benign. Review status: criteria provided, single submitter (1 of 4 stars). 2 submissions from 2 submitters: Benign (1). 1 of the submissions does not count toward it. Last evaluated 2026-01-23.

Conditions:
COL8A2-related disorder. Also called: COL8A2-related condition.

Submissions (2):

Labcorp Genetics (formerly Invitae), Labcorp
Classification: Benign. Last evaluated: 2026-01-23. Review status: criteria provided, single submitter. Criteria: Invitae Variant Classification Sherloc (09022015). Collection method: clinical testing. Allele origin: germline.

PreventionGenetics, part of Exact Sciences
Classification: Likely benign for COL8A2-related condition. Last evaluated: 2019-03-20. Review status: no assertion criteria provided. Collection method: clinical testing. Allele origin: germline. Not counted in ClinVar's aggregate classification.
Comment: This variant is classified as likely benign based on ACMG/AMP sequence variant interpretation guidelines (Richards et al. 2015 PMID: 25741868, with internal and published modifications).